The following is an entry in ClinVar:

ClinVar aggregate classification (germline): Uncertain significance. Review status: criteria provided, multiple submitters, no conflicts (2 of 4 stars). 3 submissions from 3 submitters: Uncertain significance (3). Last evaluated 2024-12-02.

Conditions:
Inborn genetic diseases. Identifiers: MedGen C0950123, MeSH D030342.
Thrombocytopenia 2 (THC2). Also called: ANKRD26-Related Thrombocytopenia. Identifiers: Orphanet 268322, MedGen C1861185, MONDO:0008555, OMIM 188000.

gnomAD v4.1: 2 of 1,614,204 alleles (0.00012%); highest among the groups gnomAD compares: East Asian, 0.0045%; no homozygotes.

Submissions (3):

Ambry Genetics
Classification: Uncertain significance for Inborn genetic diseases. Last evaluated: 2024-12-02. Review status: criteria provided, single submitter. Criteria: Ambry Variant Classification Scheme 2023. Collection method: clinical testing. Allele origin: germline.
Comment: The p.I159L variant (also known as c.475A>T), located in coding exon 3 of the ANKRD26 gene, results from an A to T substitution at nucleotide position 475. The isoleucine at codon 159 is replaced by leucine, an amino acid with highly similar properties. This amino acid position is conserved. In addition, this alteration is predicted to be tolerated by in silico analysis. Based on the available evidence, the clinical significance of this variant remains unclear.

St. Jude Molecular Pathology, St. Jude Children's Research Hospital
Classification: Uncertain significance for Thrombocytopenia 2. Last evaluated: 2023-02-07. Review status: criteria provided, single submitter. Criteria: St. Jude Assertion Criteria 2020. Collection method: clinical testing. Allele origin: germline.
Comment: The ANKRD26 c.475A>T (p.Ile159Leu) missense change has a maximum subpopulation frequency of 0.028% in gnomAD v2.1.1. This variant is not located in the 5’ UTR. The in silico tool REVEL predicts a benign effect on protein function, but to our knowledge this prediction has not been confirmed by functional studies. To our knowledge, this variant has not been reported in individuals with thrombocytopenia and/or myeloid malignancies. In summary, the evidence currently available is insufficient to determine the clinical significance of this variant. It has therefore been classified as of uncertain significance.

Labcorp Genetics (formerly Invitae), Labcorp
Classification: Uncertain significance. Last evaluated: 2022-11-01. Review status: criteria provided, single submitter. Criteria: Invitae Variant Classification Sherloc (09022015). Collection method: clinical testing. Allele origin: germline.
Comment: In summary, the available evidence is currently insufficient to determine the role of this variant in disease. Therefore, it has been classified as a Variant of Uncertain Significance. Algorithms developed to predict the effect of missense changes on protein structure and function output the following: SIFT: "Tolerated"; PolyPhen-2: "Benign"; Align-GVGD: "Class C0". The leucine amino acid residue is found in multiple mammalian species, which suggests that this missense change does not adversely affect protein function. This variant has not been reported in the literature in individuals affected with ANKRD26-related conditions. This variant is present in population databases (rs201548038, gnomAD 0.03%). This sequence change replaces isoleucine, which is neutral and non-polar, with leucine, which is neutral and non-polar, at codon 159 of the ANKRD26 protein (p.Ile159Leu).

NM_014915.3(ANKRD26):c.475A>T (p.Ile159Leu)

Gene: ANKRD26 (ankyrin repeat domain 26; minus strand). Cytogenetic location: 10p12.1.
Variant type: single nucleotide variant.
Coding change: c.475A>T on transcript NM_014915.3 (MANE Select); coding-DNA position 475, A replaced by T.
Protein change: p.Ile159Leu; replaces isoleucine 159 with leucine.
Molecular consequence: missense variant.
Genome position (GRCh38, 1-based): chr10:27,093,405, T>A on the plus strand (A>T on the coding strand, the complement: ANKRD26 is on the minus strand). VCF-style: chr10-27093405-T-A. GRCh37 (hg19) VCF-style: chr10-27382334-T-A.
Other names: c.475A>T, p.Ile159Leu (NM_001256053.2); short protein forms I159L.
Identifiers: ClinVar variation 2174000 (VCV002174000.7), dbSNP rs201548038, ClinGen allele CA5448932.